The following is an entry in ClinVar:

ClinVar aggregate classification (germline): Uncertain significance (1 of 4 stars; one submission).

Conditions:
RASopathy. Also called: Noonan spectrum disorder; rasopathies. Identifiers: Orphanet 536391, MedGen C5555857, MONDO:0021060.

Submission:

Labcorp Genetics (formerly Invitae), Labcorp
Classification: Uncertain significance for RASopathy. Last evaluated: 2022-05-18. Review status: criteria provided, single submitter. Criteria: Invitae Variant Classification Sherloc (09022015). Collection method: clinical testing. Allele origin: germline.
Comment: In summary, the available evidence is currently insufficient to determine the role of this variant in disease. Therefore, it has been classified as a Variant of Uncertain Significance. Advanced modeling of protein sequence and biophysical properties (such as structural, functional, and spatial information, amino acid conservation, physicochemical variation, residue mobility, and thermodynamic stability) performed at Invitae indicates that this missense variant is expected to disrupt SOS1 protein function. This variant has not been reported in the literature in individuals affected with SOS1-related conditions. This variant is not present in population databases (gnomAD no frequency). This sequence change replaces tryptophan, which is neutral and slightly polar, with arginine, which is basic and polar, at codon 696 of the SOS1 protein (p.Trp696Arg).

NM_005633.4(SOS1):c.2086T>C (p.Trp696Arg)

Gene: SOS1 (SOS Ras/Rac guanine nucleotide exchange factor 1; minus strand). Cytogenetic location: 2p22.1.
Variant type: single nucleotide variant.
Coding change: c.2086T>C on transcript NM_005633.4 (MANE Select); coding-DNA position 2086, T replaced by C.
Protein change: p.Trp696Arg; replaces tryptophan 696 with arginine.
Molecular consequence: missense variant.
Genome position (GRCh38, 1-based): chr2:39,013,541, A>G on the plus strand (T>C on the coding strand, the complement: SOS1 is on the minus strand). VCF-style: chr2-39013541-A-G. GRCh37 (hg19) VCF-style: chr2-39240682-A-G.
Other names: c.2065T>C, p.Trp689Arg (NM_001382394.1); c.2086T>C, p.Trp696Arg (NM_001382395.1); short protein forms W689R, W696R.
Identifiers: ClinVar variation 1996166 (VCV001996166.4), dbSNP rs2528997975, ClinGen allele CA346364684.
Genomic context (GRCh38, chr2:39,013,541, plus strand): 5'-CTTCCATTCGTTGCAAAAGATATGCATCTCTTTCAAAATCATAGAAGTGGTGCTCTACCC[A>G]GTGCCGACATACATTTAATACTCTATGGCATTAACACAGAATTGAATTACATGGGAATCA-3'
Protein context (NP_005624.2, residues 686-706): QLRVLNVCRH[Trp696Arg]VEHHFYDFER